The following is an entry in ClinVar:

ClinVar aggregate classification (germline): Uncertain significance (1 of 4 stars; one submission).

Conditions:
Neuropathy, hereditary sensory and autonomic, type 2A (HSAN2A). Also called: ACROOSTEOLYSIS, GIACCAI TYPE; ACROOSTEOLYSIS, NEUROGENIC; MORVAN DISEASE; NEUROPATHY, CONGENITAL SENSORY; NEUROPATHY, HEREDITARY SENSORY RADICULAR, AUTOSOMAL RECESSIVE; NEUROPATHY, HEREDITARY SENSORY, TYPE IIA. Identifiers: Orphanet 970, MedGen C2752089, MONDO:0024309, OMIM 201300.
Pseudohypoaldosteronism type 2C (PHA2C). Also called: Pseudohypoaldosteronism Type IIC. Identifiers: Orphanet 757, Orphanet 88940, MedGen C1840391, MONDO:0013778, OMIM 614492.

gnomAD v4.1: 2 of 1,613,924 alleles (0.00012%); highest among the groups gnomAD compares: Non-Finnish European, 0.000085%; no homozygotes.

Submission:

Labcorp Genetics (formerly Invitae), Labcorp
Classification: Uncertain significance for Neuropathy, hereditary sensory and autonomic, type 2A; Pseudohypoaldosteronism type 2C. Last evaluated: 2022-11-19. Review status: criteria provided, single submitter. Criteria: Invitae Variant Classification Sherloc (09022015). Collection method: clinical testing. Allele origin: germline.
Comment: In summary, the available evidence is currently insufficient to determine the role of this variant in disease. Therefore, it has been classified as a Variant of Uncertain Significance. Advanced modeling of protein sequence and biophysical properties (such as structural, functional, and spatial information, amino acid conservation, physicochemical variation, residue mobility, and thermodynamic stability) performed at Invitae indicates that this missense variant is not expected to disrupt WNK1 protein function. This variant has not been reported in the literature in individuals affected with WNK1-related conditions. This variant is present in population databases (rs778022120, gnomAD 0.0009%). This sequence change replaces proline, which is neutral and non-polar, with leucine, which is neutral and non-polar, at codon 1017 of the WNK1 protein (p.Pro1017Leu).

NM_213655.5(WNK1):c.3050C>T (p.Pro1017Leu)

Gene: WNK1 (WNK lysine deficient protein kinase 1; plus strand). Cytogenetic location: 12p13.33.
Variant type: single nucleotide variant.
Coding change: c.3050C>T on transcript NM_213655.5 (MANE Plus Clinical); coding-DNA position 3050, C replaced by T.
Protein change: p.Pro1017Leu; replaces proline 1017 with leucine.
Molecular consequence: missense variant. On other transcripts: intron variant (2).
Genome position (GRCh38, 1-based): chr12:868,521, C>T. VCF-style: chr12-868521-C-T. GRCh37 (hg19) VCF-style: chr12-977687-C-T.
Other names: c.2140-2744C>T (NM_018979.4, NM_014823.3); c.2795C>T, p.Pro932Leu (NM_001184985.2); short protein forms P932L, P1017L.
Identifiers: ClinVar variation 2933968 (VCV002933968.3), dbSNP rs778022120, ClinGen allele CA6382293.